The following is an entry in ClinVar:

ClinVar aggregate classification (germline): Uncertain significance (1 of 4 stars; one submission).

Submission:

Labcorp Genetics (formerly Invitae), Labcorp
Classification: Uncertain significance. Last evaluated: 2022-08-20. Review status: criteria provided, single submitter. Criteria: Invitae Variant Classification Sherloc (09022015). Collection method: clinical testing. Allele origin: germline.
Comment: This sequence change replaces cysteine, which is neutral and slightly polar, with arginine, which is basic and polar, at codon 365 of the GNAS protein (p.Cys365Arg). In summary, the available evidence is currently insufficient to determine the role of this variant in disease. Therefore, it has been classified as a Variant of Uncertain Significance. Algorithms developed to predict the effect of missense changes on protein structure and function are either unavailable or do not agree on the potential impact of this missense change (SIFT: "Deleterious"; PolyPhen-2: "Probably Damaging"; Align-GVGD: "Class C0"). This variant has not been reported in the literature in individuals affected with GNAS-related conditions. This variant is not present in population databases (gnomAD no frequency).

NM_000516.7(GNAS):c.1093T>C (p.Cys365Arg)

Gene: GNAS (GNAS complex locus; plus strand). Cytogenetic location: 20q13.32.
Variant type: single nucleotide variant.
Coding change: c.1093T>C on transcript NM_000516.7 (MANE Select); coding-DNA position 1093, T replaced by C.
Protein change: p.Cys365Arg; replaces cysteine 365 with arginine.
Molecular consequence: missense variant. On other transcripts: 3 prime UTR variant (2).
Genome position (GRCh38, 1-based): chr20:58,910,737, T>C. VCF-style: chr20-58910737-T-C. GRCh37 (hg19) VCF-style: chr20-57485792-T-C.
Other names: c.1096T>C, p.Cys366Arg (NM_001077488.5); c.1048T>C, p.Cys350Arg (NM_001077489.4); c.*954T>C (NM_001077490.3); c.916T>C, p.Cys306Arg (NM_001309840.2, NM_001309861.2); c.997T>C, p.Cys333Arg (NM_001410912.1); c.2977T>C, p.Cys993Arg (NM_001410913.1); c.*999T>C (NM_016592.5); c.3022T>C, p.Cys1008Arg (NM_080425.4); and 1 more; short protein forms C1008R, C306R, C333R, C350R, C351R, C365R, C366R, C993R.
Identifiers: ClinVar variation 1717022 (VCV001717022.5), dbSNP rs2146305645, ClinGen allele CA409453804.